The following is an entry in ClinVar:

ClinVar aggregate classification (germline): Uncertain significance (1 of 4 stars; one submission).

Submission:

Women's Health and Genetics/Laboratory Corporation of America, LabCorp
Classification: Uncertain significance. Last evaluated: 2024-08-05. Review status: criteria provided, single submitter. Criteria: LabCorp Variant Classification Summary - May 2015. Collection method: clinical testing. Allele origin: germline.
Comment: Variant summary: SF3B1 c.2587C>T (p.Gln863X) results in a premature termination codon, predicted to cause a truncation of the encoded protein or absence of the protein due to nonsense mediated decay. However, to our knowledge, Loss of function is not an established mechanism for SF3B1 related diseases. The variant was absent in 250938 control chromosomes (gnomAD). To our knowledge, no occurrence of c.2587C>T in individuals affected with SF3B1-Related Disorders and no experimental evidence demonstrating its impact on protein function have been reported. In addition, though animal models noted various skeletal phenotypic outcomes and reduced number of hematopoietic stem cells in SF3B1 haploinsufficient mice (PMID: 15741318, 24535406), to our knowledge no truncating SF3B1 variants have been reported in affected individuals in the germline state (HGMD, ClinVar).ClinVar contains an entry for this variant (Variation ID: 917660). Based on the evidence outlined above, the variant was classified as uncertain significance.

NM_012433.4(SF3B1):c.2587C>T (p.Gln863Ter)

Gene: SF3B1 (splicing factor 3b subunit 1; minus strand). Cytogenetic location: 2q33.1.
Variant type: single nucleotide variant.
Coding change: c.2587C>T on transcript NM_012433.4 (MANE Select); coding-DNA position 2587, C replaced by T.
Protein change: p.Gln863Ter; replaces glutamine 863 with a stop codon.
Molecular consequence: nonsense.
Genome position (GRCh38, 1-based): chr2:197,400,846, G>A on the plus strand (C>T on the coding strand, the complement: SF3B1 is on the minus strand). VCF-style: chr2-197400846-G-A. GRCh37 (hg19) VCF-style: chr2-198265570-G-A.
Other names: short protein forms Q863*.
Identifiers: ClinVar variation 917660 (VCV000917660.3), dbSNP rs2084930929, ClinGen allele CA350192436.